The following is an entry in ClinVar:

NM_001365951.3(KIF1B):c.2584A>C (p.Met862Leu)

Gene: KIF1B (kinesin family member 1B; plus strand). Cytogenetic location: 1p36.22.
Variant type: single nucleotide variant.
Coding change: c.2584A>C on transcript NM_001365951.3 (MANE Select); coding-DNA position 2584, A replaced by C.
Protein change: p.Met862Leu; replaces methionine 862 with leucine.
Molecular consequence: missense variant.
Genome position (GRCh38, 1-based): chr1:10,324,804, A>C. VCF-style: chr1-10324804-A-C. GRCh37 (hg19) VCF-style: chr1-10384862-A-C.
Other names: c.2584A>C, p.Met862Leu (NM_001365952.1); c.2446A>C, p.Met816Leu (NM_015074.3); short protein forms M816L, M862L.
Identifiers: ClinVar variation 2055829 (VCV002055829.5), dbSNP rs1345626148, ClinGen allele CA338335571.

ClinVar aggregate classification (germline): Conflicting classifications of pathogenicity. Review status: criteria provided, conflicting classifications (1 of 4 stars). 2 submissions from 2 submitters: Uncertain significance (1); Benign (1). Last evaluated 2024-09-04.

Conditions:
Charcot-Marie-Tooth disease type 2. Also called: Charcot-Marie-Tooth type 2. Identifiers: Orphanet 64746, MedGen C0270914, MONDO:0018993.

Allele frequency attached by ClinVar (database versions not stated): TOPMed 0.00002; gnomAD 0.00003.
gnomAD v4.1: 6 of 1,613,830 alleles (0.00037%); highest among the groups gnomAD compares: African/African-American, 0.008%; no homozygotes.

Submissions (2):

Labcorp Genetics (formerly Invitae), Labcorp
Classification: Uncertain significance for Charcot-Marie-Tooth disease type 2. Last evaluated: 2024-09-04. Review status: criteria provided, single submitter. Criteria: Invitae Variant Classification Sherloc (09022015). Collection method: clinical testing. Allele origin: germline.
Comment: This sequence change replaces methionine, which is neutral and non-polar, with leucine, which is neutral and non-polar, at codon 816 of the KIF1B protein (p.Met816Leu). This variant is present in population databases (no rsID available, gnomAD 0.03%). This variant has not been reported in the literature in individuals affected with KIF1B-related conditions. ClinVar contains an entry for this variant (Variation ID: 2055829). Invitae Evidence Modeling of protein sequence and biophysical properties (such as structural, functional, and spatial information, amino acid conservation, physicochemical variation, residue mobility, and thermodynamic stability) indicates that this missense variant is not expected to disrupt KIF1B protein function with a negative predictive value of 80%. In summary, the available evidence is currently insufficient to determine the role of this variant in disease. Therefore, it has been classified as a Variant of Uncertain Significance.

Ambry Genetics
Classification: Benign. Last evaluated: 2024-05-14. Review status: criteria provided, single submitter. Criteria: Ambry Variant Classification Scheme 2023. Collection method: clinical testing. Allele origin: germline.